The following is an entry in ClinVar:

NM_000051.4(ATM):c.332-5A>G

Gene: ATM (ATM serine/threonine kinase; plus strand). Cytogenetic location: 11q22.3.
Variant type: single nucleotide variant.
Coding change: c.332-5A>G on transcript NM_000051.4 (MANE Select); 5 bases into the intron before coding-DNA position 332, A replaced by G.
Molecular consequence: intron variant.
Genome position (GRCh38, 1-based): chr11:108,235,665, A>G. VCF-style: chr11-108235665-A-G. GRCh37 (hg19) VCF-style: chr11-108106392-A-G.
Other names: c.332-5A>G (NM_001351834.2).
Identifiers: ClinVar variation 3722730 (VCV003722730.2).

ClinVar aggregate classification (germline): Uncertain significance (1 of 4 stars; one submission).

Conditions:
Ataxia-telangiectasia syndrome (AT). Also called: ATAXIA-TELANGIECTASIA, COMPLEMENTATION GROUP A; ATAXIA-TELANGIECTASIA, FRESNO VARIANT; Ataxia-telangiectasia; Ataxia-telangiectasia, complementation group E; Ataxia telangiectasia (A-T); LOUIS-BAR SYNDROME. Identifiers: Orphanet 100, MedGen C0004135, MONDO:0008840, OMIM 208900.

Submission:

Labcorp Genetics (formerly Invitae), Labcorp
Classification: Uncertain significance for Ataxia-telangiectasia syndrome. Last evaluated: 2024-10-11. Review status: criteria provided, single submitter. Criteria: Invitae Variant Classification Sherloc (09022015). Collection method: clinical testing. Allele origin: germline.
Comment: This sequence change falls in intron 4 of the ATM gene. It does not directly change the encoded amino acid sequence of the ATM protein. This variant is not present in population databases (gnomAD no frequency). This variant has not been reported in the literature in individuals affected with ATM-related conditions. Algorithms developed to predict the effect of sequence changes on RNA splicing suggest that this variant may create or strengthen a splice site. In summary, the available evidence is currently insufficient to determine the role of this variant in disease. Therefore, it has been classified as a Variant of Uncertain Significance.